The following is an entry in ClinVar:

ClinVar aggregate classification (germline): Pathogenic. Review status: criteria provided, multiple submitters, no conflicts (2 of 4 stars). 2 submissions from 2 submitters: Pathogenic (2). Last evaluated 2024-02-16.

Conditions:
Hereditary spastic paraplegia 7 (SPG7). Also called: SPASTIC PARAPLEGIA 7, AUTOSOMAL RECESSIVE, WITH OR WITHOUT CEREBELLAR ATAXIA; Spastic paraplegia 7; Hereditary spastic paraplegia Paraplegin type; Autosomal recessive spastic paraplegia type 7; SPG7-related neurologic disorder. Identifiers: Orphanet 99013, MedGen C1846564, MONDO:0011803, OMIM 607259.

Allele frequency attached by ClinVar (database versions not stated): ExAC 0.00001; gnomAD 0.00001; gnomAD exomes 0.00001; TOPMed 0.00001.

Submissions (2):

Labcorp Genetics (formerly Invitae), Labcorp
Classification: Pathogenic for Hereditary spastic paraplegia 7. Last evaluated: 2024-02-16. Review status: criteria provided, single submitter. Criteria: Invitae Variant Classification Sherloc (09022015). Collection method: clinical testing. Allele origin: germline.
Comment: This sequence change creates a premature translational stop signal (p.Thr261Argfs*30) in the SPG7 gene. It is expected to result in an absent or disrupted protein product. Loss-of-function variants in SPG7 are known to be pathogenic (PMID: 21623769, 22964162). This variant is present in population databases (rs780810116, gnomAD 0.007%). This premature translational stop signal has been observed in individual(s) with clinical features of autosomal recessive hereditary spastic paraplegia (PMID: 28879915). ClinVar contains an entry for this variant (Variation ID: 989042). Algorithms developed to predict the effect of sequence changes on RNA splicing suggest that this variant may disrupt the consensus splice site. For these reasons, this variant has been classified as Pathogenic.

Paris Brain Institute, Inserm - ICM
Classification: Pathogenic for Hereditary spastic paraplegia 7. Review status: criteria provided, single submitter. Criteria: ACMG Guidelines, 2015. Collection method: clinical testing. Allele origin: unknown. Affected: yes. Observed: 1 variant allele.

Literature cited by the submitters: PubMed 21623769 (cited by Labcorp Genetics (formerly Invitae), Labcorp); PubMed 22964162 (cited by Labcorp Genetics (formerly Invitae), Labcorp); PubMed 28879915 (cited by Labcorp Genetics (formerly Invitae), Labcorp).

NM_003119.4(SPG7):c.775_781dup (p.Thr261fs)

Gene: SPG7 (SPG7 matrix AAA peptidase subunit, paraplegin; plus strand). Cytogenetic location: 16q24.3.
Variant type: Duplication.
Coding change: c.775_781dup on transcript NM_003119.4 (MANE Select); coding-DNA positions 775 to 781, 7 bases duplicated (GGGATGA; older notation c.775_781dupGGGATGA).
Protein change: p.Thr261fs; shifts the reading frame from threonine 261.
Molecular consequence: frameshift variant.
Genome position (GRCh38, 1-based): chr16:89,529,493-89,529,499, GGGATGA duplicated. VCF-style (leftmost placement, unchanged base first): chr16-89529492-G-GGGGATGA. GRCh37 (hg19) VCF-style: chr16-89595900-G-GGGGATGA.
Other names: c.775_781dup, p.Thr261fs (NM_001363850.1, NM_199367.3); c.774_775insGGGATGA (NM_003119.4); short protein forms T261fs.
Identifiers: ClinVar variation 989042 (VCV000989042.3), dbSNP rs780810116, ClinGen allele CA8243782.